The following is an entry in ClinVar:

ClinVar aggregate classification (germline): Uncertain significance (1 of 4 stars; one submission).

Conditions:
Hereditary cancer-predisposing syndrome. Also called: Hereditary Cancer Syndrome; Tumor predisposition; Neoplastic Syndromes, Hereditary; Hereditary neoplastic syndrome. Identifiers: Orphanet 140162, MedGen C0027672, MeSH D009386, MONDO:0015356.

Submission:

Ambry Genetics
Classification: Uncertain significance for Hereditary cancer-predisposing syndrome. Last evaluated: 2026-02-19. Review status: criteria provided, single submitter. Criteria: Ambry Variant Classification Scheme 2023. Collection method: clinical testing. Allele origin: germline.
Comment: The c.48+5C>A intronic variant results from a C to A substitution 5 nucleotides after coding exon 1 in the CDH1 gene. This nucleotide position is poorly conserved in available vertebrate species. In silico splice site analysis predicts that this alteration will not have any significant effect on splicing. Based on the available evidence, the clinical significance of this variant remains unclear.

NM_004360.5(CDH1):c.48+5C>A

Gene: CDH1 (cadherin 1; plus strand). Cytogenetic location: 16q22.1.
Variant type: single nucleotide variant.
Coding change: c.48+5C>A on transcript NM_004360.5 (MANE Select); 5 bases into the intron after coding-DNA position 48, C replaced by A.
Molecular consequence: intron variant.
Genome position (GRCh38, 1-based): chr16:68,737,468, C>A. VCF-style: chr16-68737468-C-A. GRCh37 (hg19) VCF-style: chr16-68771371-C-A.
Other names: c.-1568+5C>A (NM_001317185.2); c.-1772+5C>A (NM_001317186.2); c.48+5C>A (NM_001317184.2).
Identifiers: ClinVar variation 825188 (VCV000825188.5), dbSNP rs77312180, ClinGen allele CA283273547.